The following is an entry in ClinVar:

NM_015662.3(IFT172):c.571-3T>A

Gene: IFT172 (intraflagellar transport 172; minus strand). Cytogenetic location: 2p23.3.
Variant type: single nucleotide variant.
Coding change: c.571-3T>A on transcript NM_015662.3 (MANE Select); 3 bases into the intron before coding-DNA position 571, T replaced by A.
Molecular consequence: intron variant.
Genome position (GRCh38, 1-based): chr2:27,481,263, A>T on the plus strand (T>A on the coding strand, the complement: IFT172 is on the minus strand). VCF-style: chr2-27481263-A-T. GRCh37 (hg19) VCF-style: chr2-27704130-A-T.
Identifiers: ClinVar variation 1971044 (VCV001971044.5), dbSNP rs761193112, ClinGen allele CA531765567.

ClinVar aggregate classification (germline): Uncertain significance (1 of 4 stars; one submission).

Conditions:
Short-rib thoracic dysplasia 10 with or without polydactyly (SRTD10). Identifiers: Orphanet 474, MedGen C3810175, MONDO:0014284, OMIM 615630.
Retinitis pigmentosa 71 (RP71). Identifiers: Orphanet 791, MedGen C4225342, MONDO:0014618, OMIM 616394.

Allele frequency attached by ClinVar (database versions not stated): gnomAD 0.00001.
gnomAD v4.1: 2 of 1,609,150 alleles (0.00012%); highest among the groups gnomAD compares: African/African-American, 0.0027%; no homozygotes.

Submission:

Labcorp Genetics (formerly Invitae), Labcorp
Classification: Uncertain significance for Retinitis pigmentosa 71; Short-rib thoracic dysplasia 10 with or without polydactyly. Last evaluated: 2022-08-16. Review status: criteria provided, single submitter. Criteria: Invitae Variant Classification Sherloc (09022015). Collection method: clinical testing. Allele origin: germline.
Comment: This sequence change falls in intron 7 of the IFT172 gene. It does not directly change the encoded amino acid sequence of the IFT172 protein. It affects a nucleotide within the consensus splice site. This variant is present in population databases (no rsID available, gnomAD 0.01%). In summary, the available evidence is currently insufficient to determine the role of this variant in disease. Therefore, it has been classified as a Variant of Uncertain Significance. Variants that disrupt the consensus splice site are a relatively common cause of aberrant splicing (PMID: 17576681, 9536098). Algorithms developed to predict the effect of sequence changes on RNA splicing suggest that this variant may create or strengthen a splice site. This variant has not been reported in the literature in individuals affected with IFT172-related conditions.

Literature cited by the submitters: PubMed 17576681; PubMed 9536098.